The following is an entry in ClinVar:

NM_000370.3(TTPA):c.438_439delinsCGATCACAGATGTGTA (p.Glu146fs)

Gene: TTPA (alpha tocopherol transfer protein; minus strand). Cytogenetic location: 8q12.3.
Variant type: Indel.
Coding change: c.438_439delinsCGATCACAGATGTGTA on transcript NM_000370.3 (MANE Select); coding-DNA positions 438 to 439, GG replaced by CGATCACAGATGTGTA.
Protein change: p.Glu146fs; shifts the reading frame from glutamic acid 146.
Molecular consequence: frameshift variant.
Genome position (GRCh38, 1-based): chr8:63,066,017-63,066,018, CC replaced by TACACATCTGTGATCG on the plus strand (GG replaced by CGATCACAGATGTGTA on the coding strand, the reverse complement: TTPA is on the minus strand). VCF-style: chr8-63066017-CC-TACACATCTGTGATCG. GRCh37 (hg19) VCF-style: chr8-63978576-CC-TACACATCTGTGATCG.
Other names: c.438_439delGGinsCGATCACAGATGTGTA, p.Glu146Aspfs (NM_001413416.1); c.555_556delGGinsCGATCACAGATGTGTA, p.Glu185Aspfs (NM_001413418.1); short protein forms E146fs.
Identifiers: ClinVar variation 1725231 (VCV001725231.2), dbSNP rs2487147613, ClinGen allele CA2580078911.
Genomic context (GRCh38, chr8:63,066,017, plus strand): 5'-GAGAAAACTGCCAACCTTCCAGATCAAAGATAGCCTTGATTCCATTCCGCTGAGTTTCTA[CC>TACACATCTGTGATCG]TCCTGTACAATAAGCTCGGATGTGATTAGACTTACTCGAAATACGTCATAAGCTGTAAAA-3'

ClinVar aggregate classification (germline): Likely pathogenic (1 of 4 stars; one submission).

Conditions:
Familial isolated deficiency of vitamin E (AVED). Also called: ATAXIA, FRIEDREICH-LIKE, WITH SELECTIVE VITAMIN E DEFICIENCY; Ataxia with isolated vitamin E deficiency. Identifiers: Orphanet 96, MedGen C1848533, MONDO:0010188, OMIM 277460.

Submission:

Myriad Genetics, Inc.
Classification: Likely pathogenic for Familial isolated deficiency of vitamin E. Last evaluated: 2022-03-15. Review status: criteria provided, single submitter. Criteria: Myriad Women's Health Autosomal Recessive and X-Linked Classification Criteria (2021). Collection method: clinical testing. Allele origin: unknown.
Comment: NM_000370.3(TTPA):c.438_439del2ins16(E146Dfs*7) is expected to be pathogenic in the context of ataxia with vitamin E deficiency. This variant is predicted to lead to an abnormal or absent protein product due to the creation of a premature termination codon in TTPA, a gene where loss-of-function variants are known to be pathogenic. Please note: this variant was assessed in the context of healthy population screening.